The following is an entry in ClinVar:

ClinVar aggregate classification (germline): Likely benign. Review status: criteria provided, multiple submitters, no conflicts (2 of 4 stars). 2 submissions from 2 submitters: Likely benign (2). Last evaluated 2025-03-01.

Allele frequency attached by ClinVar (database versions not stated): gnomAD exomes 0.00002 and 0.00003; TOPMed 0.00002; ExAC 0.00003; gnomAD 0.00004 and 0.00005.
gnomAD v4.1: 46 of 1,608,320 alleles (0.0029%); highest among the groups gnomAD compares: Middle Eastern, 0.053%; no homozygotes.

Submissions (2):

CeGaT Center for Human Genetics Tuebingen
Classification: Likely benign. Last evaluated: 2025-03-01. Review status: criteria provided, single submitter. Criteria: CeGaT Center For Human Genetics Tuebingen Variant Classification Criteria Version 2. Collection method: clinical testing. Allele origin: germline. Affected: yes. Observed: 1 variant allele.
Comment: DACT1: BS2

Labcorp Genetics (formerly Invitae), Labcorp
Classification: Likely benign. Last evaluated: 2018-11-15. Review status: criteria provided, single submitter. Criteria: Invitae Variant Classification Sherloc (09022015). Collection method: clinical testing. Allele origin: germline.

NM_001079520.2(DACT1):c.635-121T>C

Gene: DACT1 (dishevelled binding antagonist of beta catenin 1; plus strand). Cytogenetic location: 14q23.1.
Variant type: single nucleotide variant.
Coding change: c.635-121T>C on transcript NM_001079520.2 (MANE Select); 121 bases into the intron before coding-DNA position 635, T replaced by C.
Molecular consequence: intron variant.
Genome position (GRCh38, 1-based): chr14:58,645,248, T>C. VCF-style: chr14-58645248-T-C. GRCh37 (hg19) VCF-style: chr14-59111966-T-C.
Other names: c.635-10T>C (NM_016651.6).
Identifiers: ClinVar variation 795075 (VCV000795075.10), dbSNP rs767069001, ClinGen allele CA7206625.